The following is an entry in ClinVar:

NM_006302.3(MOGS):c.-52G>C

Gene: MOGS (mannosyl-oligosaccharide glucosidase; minus strand). Cytogenetic location: 2p13.1.
Variant type: single nucleotide variant.
Coding change: c.-52G>C on transcript NM_006302.3 (MANE Select); 52 bases upstream of the start codon, G replaced by C.
Molecular consequence: 5 prime UTR variant. On other transcripts: intron variant (1).
Genome position (GRCh38, 1-based): chr2:74,465,299, C>G on the plus strand (G>C on the coding strand, the complement: MOGS is on the minus strand). VCF-style: chr2-74465299-C-G. GRCh37 (hg19) VCF-style: chr2-74692426-C-G.
Other names: c.-52G>C (LRG_1226t1); c.-59+15G>C (NM_001146158.2).
Identifiers: ClinVar variation 507988 (VCV000507988.1), dbSNP rs1356278730, ClinGen allele CA658795827.

ClinVar aggregate classification (germline): Likely benign (1 of 4 stars; one submission).

Allele frequency attached by ClinVar (database versions not stated): TOPMed below 0.00001; gnomAD 0.00001; gnomAD exomes 0.00001.
gnomAD v4.1: 4 of 1,320,206 alleles (0.0003%); highest among the groups gnomAD compares: East Asian, 0.012%; no homozygotes.

Submission:

GeneDx
Classification: Likely benign. Last evaluated: 2017-03-28. Review status: criteria provided, single submitter. Criteria: GeneDx Variant Classification (06012015). Collection method: clinical testing. Allele origin: germline. Affected: yes.
Comment: This variant is considered likely benign or benign based on one or more of the following criteria: it is a conservative change, it occurs at a poorly conserved position in the protein, it is predicted to be benign by multiple in silico algorithms, and/or has population frequency not consistent with disease.